The following is an entry in ClinVar:

ClinVar aggregate classification (germline): Uncertain significance (1 of 4 stars; one submission).

Conditions:
Hereditary cancer-predisposing syndrome. Also called: Hereditary neoplastic syndrome; Neoplastic Syndromes, Hereditary; Tumor predisposition; Hereditary Cancer Syndrome. Identifiers: Orphanet 140162, MedGen C0027672, MeSH D009386, MONDO:0015356.
Cardiovascular phenotype. Identifiers: MedGen CN230736.

Submission:

Ambry Genetics
Classification: Uncertain significance for Cardiovascular phenotype; Hereditary cancer-predisposing syndrome. Last evaluated: 2025-02-14. Review status: criteria provided, single submitter. Criteria: Ambry Variant Classification Scheme 2023. Collection method: clinical testing. Allele origin: germline.
Comment: The p.P115T variant (also known as c.343C>A), located in coding exon 4 of the LZTR1 gene, results from a C to A substitution at nucleotide position 343. The proline at codon 115 is replaced by threonine, an amino acid with highly similar properties. This amino acid position is conserved. In addition, this alteration is predicted to be deleterious by in silico analysis. Based on the available evidence, the clinical significance of this variant remains unclear.

NM_006767.4(LZTR1):c.343C>A (p.Pro115Thr)

Gene: LZTR1 (leucine zipper like post translational regulator 1; plus strand). Cytogenetic location: 22q11.21.
Variant type: single nucleotide variant.
Coding change: c.343C>A on transcript NM_006767.4 (MANE Select); coding-DNA position 343, C replaced by A.
Protein change: p.Pro115Thr; replaces proline 115 with threonine.
Molecular consequence: missense variant.
Genome position (GRCh38, 1-based): chr22:20,987,526, C>A. VCF-style: chr22-20987526-C-A. GRCh37 (hg19) VCF-style: chr22-21341815-C-A.
Other names: short protein forms P115T.
Identifiers: ClinVar variation 3869243 (VCV003869243.1).